The following is an entry in ClinVar:

NM_004380.3(CREBBP):c.6600GCAGCAGCAACA[1] (p.Gln2213_Gln2216del)

Gene: CREBBP (CREB binding lysine acetyltransferase; minus strand). Cytogenetic location: 16p13.3.
Variant type: Microsatellite.
Coding change: c.6600GCAGCAGCAACA[1] on transcript NM_004380.3 (MANE Select); one copy of the 12-base unit GCAGCAGCAACA starting at c.6600; the reference has two copies in a row; one copy, 12 bases deleted; also written c.6612_6623del.
Protein change: p.Gln2213_Gln2216del.
Molecular consequence: inframe deletion.
Genome position (GRCh38, 1-based): chr16:3,728,424-3,728,435, TGTTGCTGCTGC deleted on the plus strand (GCAGCAGCAACA on the coding strand, the reverse complement: CREBBP is on the minus strand); deleting any 12 consecutive bases within chr16:3,728,424-3,728,449 gives the same sequence; the position shown is the placement nearest the transcript's 3' end. VCF-style (leftmost placement, unchanged base first): chr16-3728423-TTGTTGCTGCTGC-T. GRCh37 (hg19) VCF-style: chr16-3778424-TTGTTGCTGCTGC-T.
Other names: c.6486GCAGCAGCAACA[1], p.Gln2175_Gln2178del (NM_001079846.1); c.6612_6623del12 (NM_004380.2); c.6612_6623del (NM_004380.2).
Identifiers: ClinVar variation 281527 (VCV000281527.48), dbSNP rs750150018, ClinGen allele CA7869060.

ClinVar aggregate classification (germline): Benign/Likely benign. Review status: criteria provided, multiple submitters, no conflicts (2 of 4 stars). 6 submissions from 6 submitters: Benign (1); Likely benign (4). 1 of the submissions does not count toward it. Last evaluated 2026-04-01.

Conditions:
Rubinstein-Taybi syndrome (RSTS). Identifiers: Orphanet 783, MedGen C0035934, MONDO:0019188.
CREBBP-related disorder. Also called: CREBBP-related disorders; CREBBP-related condition.

Submissions (6):

CeGaT Center for Human Genetics Tuebingen
Classification: Likely benign. Last evaluated: 2026-04-01. Review status: criteria provided, single submitter. Criteria: CeGaT Center For Human Genetics Tuebingen Variant Classification Criteria Version 2. Collection method: clinical testing. Allele origin: germline. Affected: yes. Observed: 2 variant alleles.
Comment: CREBBP: BS1

Labcorp Genetics (formerly Invitae), Labcorp
Classification: Likely benign for Rubinstein-Taybi syndrome. Last evaluated: 2025-10-02. Review status: criteria provided, single submitter. Criteria: Invitae Variant Classification Sherloc (09022015). Collection method: clinical testing. Allele origin: germline.

Blueprint Genetics
Classification: Likely benign. Last evaluated: 2024-09-23. Review status: criteria provided, single submitter. Criteria: ACMG Guidelines, 2015. Collection method: clinical testing. Allele origin: germline.

GeneDx
Classification: Likely benign. Last evaluated: 2022-09-28. Review status: criteria provided, single submitter. Criteria: GeneDx Variant Classification Process June 2021. Collection method: clinical testing. Allele origin: germline. Affected: yes.
Comment: See Variant Classification Assertion Criteria.

Eurofins Ntd Llc (ga)
Classification: Benign. Last evaluated: 2015-06-29. Review status: criteria provided, single submitter. Criteria: EGL Classification Definitions 2015. Collection method: clinical testing. Allele origin: germline. Observed: 1 variant allele, 1 heterozygote.

PreventionGenetics, part of Exact Sciences
Classification: Likely benign for CREBBP-related condition. Last evaluated: 2022-01-13. Review status: no assertion criteria provided. Collection method: clinical testing. Allele origin: germline. Not counted in ClinVar's aggregate classification.
Comment: This variant is classified as likely benign based on ACMG/AMP sequence variant interpretation guidelines (Richards et al. 2015 PMID: 25741868, with internal and published modifications).